The following is an entry in ClinVar:

ClinVar aggregate classification (germline): Uncertain significance (1 of 4 stars; one submission).

Conditions:
Dyskeratosis congenita, autosomal dominant 2. Identifiers: MedGen C3151443, MONDO:0013521, OMIM 613989.
Idiopathic Pulmonary Fibrosis. Also called: Idiopathic fibrosing alveolitis, chronic form; idiopathic fibrosing alveolitis. Identifiers: Orphanet 2032, MedGen C1800706, MeSH D054990, MONDO:0800504.

Submission:

Labcorp Genetics (formerly Invitae), Labcorp
Classification: Uncertain significance for Dyskeratosis congenita, autosomal dominant 2; Idiopathic Pulmonary Fibrosis. Last evaluated: 2021-01-19. Review status: criteria provided, single submitter. Criteria: Invitae Variant Classification Sherloc (09022015). Collection method: clinical testing. Allele origin: germline.
Comment: Advanced modeling of protein sequence and biophysical properties (such as structural, functional, and spatial information, amino acid conservation, physicochemical variation, residue mobility, and thermodynamic stability) performed at Invitae indicates that this missense variant is not expected to disrupt TERT protein function. This sequence change replaces glutamic acid with lysine at codon 440 of the TERT protein (p.Glu440Lys). The glutamic acid residue is weakly conserved and there is a small physicochemical difference between glutamic acid and lysine. The frequency data for this variant in the population databases is considered unreliable, as metrics indicate insufficient coverage at this position in the ExAC database. This variant has not been reported in the literature in individuals with TERT-related conditions. In summary, the available evidence is currently insufficient to determine the role of this variant in disease. Therefore, it has been classified as a Variant of Uncertain Significance.

NM_198253.3(TERT):c.1318G>A (p.Glu440Lys)

Gene: TERT (telomerase reverse transcriptase; minus strand). Cytogenetic location: 5p15.33.
Variant type: single nucleotide variant.
Coding change: c.1318G>A on transcript NM_198253.3 (MANE Select); coding-DNA position 1318, G replaced by A.
Protein change: p.Glu440Lys; replaces glutamic acid 440 with lysine.
Molecular consequence: missense variant. On other transcripts: non-coding transcript variant (2).
Genome position (GRCh38, 1-based): chr5:1,293,568, C>T on the plus strand (G>A on the coding strand, the complement: TERT is on the minus strand). VCF-style: chr5-1293568-C-T. GRCh37 (hg19) VCF-style: chr5-1293683-C-T.
Other names: c.1318G>A, p.Glu440Lys (NM_001193376.3); short protein forms E440K.
Identifiers: ClinVar variation 1517607 (VCV001517607.8), dbSNP rs2126684803, ClinGen allele CA359086231.